The following is an entry in ClinVar:

NM_138713.4(NFAT5):c.372G>C (p.Glu124Asp)

Gene: NFAT5 (nuclear factor of activated T cells 5; plus strand). Cytogenetic location: 16q22.1.
Variant type: single nucleotide variant.
Coding change: c.372G>C on transcript NM_138713.4 (MANE Select); coding-DNA position 372, G replaced by C.
Protein change: p.Glu124Asp; replaces glutamic acid 124 with aspartic acid.
Molecular consequence: missense variant.
Genome position (GRCh38, 1-based): chr16:69,647,146, G>C. VCF-style: chr16-69647146-G-C. GRCh37 (hg19) VCF-style: chr16-69681049-G-C.
Other names: c.372G>C, p.Glu124Asp (NM_001113178.3); c.119G>C, p.Arg40Thr (NM_001367709.1); c.318G>C, p.Glu106Asp (NM_006599.4); c.90G>C, p.Glu30Asp (NM_138714.4, NM_173214.3, NM_173215.3); short protein forms E30D, R40T, E106D, E124D.
Identifiers: ClinVar variation 1041218 (VCV001041218.8), dbSNP rs200580359, ClinGen allele CA8135351.

ClinVar aggregate classification (germline): Uncertain significance (1 of 4 stars; one submission).

Conditions:
Immunodeficiency. Identifiers: MedGen C0021051, MONDO:0021094, HP:0002721.

Allele frequency attached by ClinVar (database versions not stated): ExAC 0.00001; gnomAD 0.00001; gnomAD exomes 0.00001.
gnomAD v4.1: 13 of 1,614,012 alleles (0.00081%); highest among the groups gnomAD compares: Middle Eastern, 0.049%; no homozygotes.

Submission:

Labcorp Genetics (formerly Invitae), Labcorp
Classification: Uncertain significance for Immunodeficiency. Last evaluated: 2024-09-19. Review status: criteria provided, single submitter. Criteria: Invitae Variant Classification Sherloc (09022015). Collection method: clinical testing. Allele origin: germline.
Comment: This sequence change replaces glutamic acid, which is acidic and polar, with aspartic acid, which is acidic and polar, at codon 30 of the NFAT5 protein (p.Glu30Asp). This variant is present in population databases (rs200580359, gnomAD 0.006%). This variant has not been reported in the literature in individuals affected with NFAT5-related conditions. ClinVar contains an entry for this variant (Variation ID: 1041218). An algorithm developed to predict the effect of missense changes on protein structure and function (PolyPhen-2) suggests that this variant is likely to be disruptive. In summary, the available evidence is currently insufficient to determine the role of this variant in disease. Therefore, it has been classified as a Variant of Uncertain Significance.